The following is an entry in ClinVar:

NM_032119.4(ADGRV1):c.18857G>A (p.Gly6286Asp)

Gene: ADGRV1 (adhesion G protein-coupled receptor V1; plus strand). Cytogenetic location: 5q14.3.
Variant type: single nucleotide variant.
Coding change: c.18857G>A on transcript NM_032119.4 (MANE Select); coding-DNA position 18857, G replaced by A.
Protein change: p.Gly6286Asp; replaces glycine 6286 with aspartic acid.
Molecular consequence: missense variant. On other transcripts: non-coding transcript variant (1).
Genome position (GRCh38, 1-based): chr5:91,163,836, G>A. VCF-style: chr5-91163836-G-A. GRCh37 (hg19) VCF-style: chr5-90459653-G-A.
Other names: short protein forms G6286D.
Identifiers: ClinVar variation 2133619 (VCV002133619.5), dbSNP rs888882502, ClinGen allele CA360432952.

ClinVar aggregate classification (germline): Uncertain significance. Review status: criteria provided, multiple submitters, no conflicts (2 of 4 stars). 2 submissions from 2 submitters: Uncertain significance (2). Last evaluated 2022-06-30.

Allele frequency attached by ClinVar (database versions not stated): gnomAD exomes below 0.00001.
gnomAD v4.1: 1 of 1,606,680 alleles (0.000062%); highest among the groups gnomAD compares: Non-Finnish European, 0.000085%; no homozygotes.

Submissions (2):

Blueprint Genetics
Classification: Uncertain significance. Last evaluated: 2022-06-30. Review status: criteria provided, single submitter. Criteria: ACMG Guidelines, 2015. Collection method: clinical testing. Allele origin: germline.

Labcorp Genetics (formerly Invitae), Labcorp
Classification: Uncertain significance. Last evaluated: 2022-05-04. Review status: criteria provided, single submitter. Criteria: Invitae Variant Classification Sherloc (09022015). Collection method: clinical testing. Allele origin: germline.
Comment: This variant is not present in population databases (gnomAD no frequency). This sequence change replaces glycine, which is neutral and non-polar, with aspartic acid, which is acidic and polar, at codon 6286 of the ADGRV1 protein (p.Gly6286Asp). This variant has not been reported in the literature in individuals affected with ADGRV1-related conditions. In summary, the available evidence is currently insufficient to determine the role of this variant in disease. Therefore, it has been classified as a Variant of Uncertain Significance. Algorithms developed to predict the effect of missense changes on protein structure and function are either unavailable or do not agree on the potential impact of this missense change (SIFT: "Deleterious"; PolyPhen-2: "Probably Damaging"; Align-GVGD: "Class C0").